The following is an entry in ClinVar:

NM_000051.4(ATM):c.328A>G (p.Arg110Gly)

Gene: ATM (ATM serine/threonine kinase; plus strand). Cytogenetic location: 11q22.3.
Variant type: single nucleotide variant.
Coding change: c.328A>G on transcript NM_000051.4 (MANE Select); coding-DNA position 328, A replaced by G.
Protein change: p.Arg110Gly; replaces arginine 110 with glycine.
Molecular consequence: missense variant.
Genome position (GRCh38, 1-based): chr11:108,229,320, A>G. VCF-style: chr11-108229320-A-G. GRCh37 (hg19) VCF-style: chr11-108100047-A-G.
Other names: c.328A>G, p.Arg110Gly (NM_001351834.2, NM_001351835.2, NM_001351836.2); short protein forms R110G.
Identifiers: ClinVar variation 937459 (VCV000937459.7), dbSNP rs2078893781, ClinGen allele CA382521819.
Genomic context (GRCh38, chr11:108,229,320, plus strand): 5'-AGGCAGAAAAAGATGCAGGAAATCAGTAGTTTGGTCAAATACTTCATCAAATGTGCAAAC[A>G]GAAGTAAGTGATGTTATAAATTATAAATAAATGGCTTAACAGATTACTGTCGCGTGAGTT-3'
Protein context (NP_000042.3, residues 100-120): LVKYFIKCAN[Arg110Gly]RAPRLKCQEL

ClinVar aggregate classification (germline): Uncertain significance. Review status: criteria provided, multiple submitters, no conflicts (2 of 4 stars). 2 submissions from 2 submitters: Uncertain significance (2). Last evaluated 2025-11-03.

Conditions:
Ataxia-telangiectasia syndrome (AT). Also called: Cerebello-oculocutaneous telangiectasia; Immunodeficiency with ataxia telangiectasia; LOUIS-BAR SYNDROME; AT, COMPLEMENTATION GROUP C; ATAXIA-TELANGIECTASIA, COMPLEMENTATION GROUP A; ATAXIA-TELANGIECTASIA, FRESNO VARIANT. Identifiers: Orphanet 100, MedGen C0004135, MONDO:0008840, OMIM 208900.

Submissions (2):

Labcorp Genetics (formerly Invitae), Labcorp
Classification: Uncertain significance for Ataxia-telangiectasia syndrome. Last evaluated: 2025-11-03. Review status: criteria provided, single submitter. Criteria: Invitae Variant Classification Sherloc (09022015). Collection method: clinical testing. Allele origin: germline.
Comment: This sequence change replaces arginine, which is basic and polar, with glycine, which is neutral and non-polar, at codon 110 of the ATM protein (p.Arg110Gly). This variant is not present in population databases (gnomAD no frequency). This variant has not been reported in the literature in individuals affected with ATM-related conditions. ClinVar contains an entry for this variant (Variation ID: 937459). Invitae Evidence Modeling of protein sequence and biophysical properties (such as structural, functional, and spatial information, amino acid conservation, physicochemical variation, residue mobility, and thermodynamic stability) indicates that this missense variant is not expected to disrupt ATM protein function with a negative predictive value of 95%. In summary, the available evidence is currently insufficient to determine the role of this variant in disease. Therefore, it has been classified as a Variant of Uncertain Significance.

Quest Diagnostics Nichols Institute San Juan Capistrano
Classification: Uncertain significance. Last evaluated: 2025-07-25. Review status: criteria provided, single submitter. Criteria: Quest Diagnostics criteria. Collection method: clinical testing. Allele origin: unknown.